The following is an entry in ClinVar:

ClinVar aggregate classification (germline): Pathogenic (1 of 4 stars; one submission).

Conditions:
Hereditary cancer-predisposing syndrome. Also called: Hereditary Cancer Syndrome; Neoplastic Syndromes, Hereditary; Hereditary neoplastic syndrome; Tumor predisposition. Identifiers: Orphanet 140162, MedGen C0027672, MeSH D009386, MONDO:0015356.

Submission:

Ambry Genetics
Classification: Pathogenic for Hereditary cancer-predisposing syndrome. Last evaluated: 2014-12-30. Review status: criteria provided, single submitter. Criteria: Ambry Variant Classification Scheme 2023. Collection method: clinical testing. Allele origin: germline.
Comment: The c.3114delT pathogenic mutation, located in coding exon 4 of the MSH6 gene, results from a deletion of one nucleotide at position 3114, causing a translational frameshift with a predicted alternate stop codon. Since frameshifts are typically deleterious in nature, this alteration is interpreted as a disease-causing mutation (ACMG Recommendations for Standards for Interpretation and Reporting of Sequence Variations. Revision 2007. Genet Med. 2008;10:294).

NM_000179.3(MSH6):c.3114del (p.Phe1037_Tyr1038insTer)

Gene: MSH6 (mutS homolog 6; plus strand). Cytogenetic location: 2p16.3.
Variant type: Deletion.
Coding change: c.3114del on transcript NM_000179.3 (MANE Select); coding-DNA position 3114, one base deleted (T; older notation c.3114delT).
Protein change: p.Phe1037_Tyr1038insTer.
Molecular consequence: nonsense.
Genome position (GRCh38, 1-based): chr2:47,801,097, T deleted. VCF-style (leftmost placement, unchanged base first): chr2-47801096-AT-A. GRCh37 (hg19) VCF-style: chr2-48028235-AT-A.
Other names: c.2724del, p.Phe907_Tyr908insTer (NM_001281492.2); c.2208del, p.Phe735_Tyr736insTer (NM_001281493.2, NM_001281494.2); c.3114delT (NM_000179.2).
Identifiers: ClinVar variation 428372 (VCV000428372.5), dbSNP rs1114167751, ClinGen allele CA645369283.